The following is an entry in ClinVar:

ClinVar aggregate classification (germline): Conflicting classifications of pathogenicity. Review status: criteria provided, conflicting classifications (1 of 4 stars). 2 submissions from 2 submitters: Uncertain significance (1); Likely benign (1). Last evaluated 2025-11-13.

Conditions:
Inborn genetic diseases. Identifiers: MedGen C0950123, MeSH D030342.

Allele frequency attached by ClinVar (database versions not stated): ExAC 0.00011; TOPMed 0.00011; gnomAD 0.00015; ESP Exome Variant Server 0.00023.
gnomAD v4.1: 197 of 1,613,948 alleles (0.012%); highest among the groups gnomAD compares: Non-Finnish European, 0.016%; no homozygotes.

Submissions (2):

Labcorp Genetics (formerly Invitae), Labcorp
Classification: Uncertain significance. Last evaluated: 2025-11-13. Review status: criteria provided, single submitter. Criteria: Invitae Variant Classification Sherloc (09022015). Collection method: clinical testing. Allele origin: germline.
Comment: This sequence change replaces isoleucine, which is neutral and non-polar, with threonine, which is neutral and polar, at codon 576 of the TRRAP protein (p.Ile576Thr). This variant is present in population databases (rs141155552, gnomAD 0.02%). This variant has not been reported in the literature in individuals affected with TRRAP-related conditions. ClinVar contains an entry for this variant (Variation ID: 2080930). Invitae Evidence Modeling of protein sequence and biophysical properties (such as structural, functional, and spatial information, amino acid conservation, physicochemical variation, residue mobility, and thermodynamic stability) indicates that this missense variant is not expected to disrupt TRRAP protein function with a negative predictive value of 80%. In summary, the available evidence is currently insufficient to determine the role of this variant in disease. Therefore, it has been classified as a Variant of Uncertain Significance.

Ambry Genetics
Classification: Likely benign for Inborn genetic diseases. Last evaluated: 2022-11-17. Review status: criteria provided, single submitter. Criteria: Ambry Variant Classification Scheme 2023. Collection method: clinical testing. Allele origin: germline.

NM_001375524.1(TRRAP):c.1727T>C (p.Ile576Thr)

Gene: TRRAP (transformation/transcription domain associated protein; plus strand). Cytogenetic location: 7q22.1.
Variant type: single nucleotide variant.
Coding change: c.1727T>C on transcript NM_001375524.1 (MANE Select); coding-DNA position 1727, T replaced by C.
Protein change: p.Ile576Thr; replaces isoleucine 576 with threonine.
Molecular consequence: missense variant.
Genome position (GRCh38, 1-based): chr7:98,910,522, T>C. VCF-style: chr7-98910522-T-C. GRCh37 (hg19) VCF-style: chr7-98508145-T-C.
Other names: c.1727T>C, p.Ile576Thr (NM_001244580.2, NM_003496.4); short protein forms I576T.
Identifiers: ClinVar variation 2080930 (VCV002080930.5), dbSNP rs141155552, ClinGen allele CA4359611.